The following is an entry in ClinVar:

NM_001291867.2(NHS):c.4223A>C (p.Glu1408Ala)

Gene: NHS (NHS actin remodeling regulator; plus strand). Cytogenetic location: Xp22.13.
Variant type: single nucleotide variant.
Coding change: c.4223A>C on transcript NM_001291867.2 (MANE Select); coding-DNA position 4223, A replaced by C.
Protein change: p.Glu1408Ala; replaces glutamic acid 1408 with alanine.
Molecular consequence: missense variant.
Genome position (GRCh38, 1-based): chrX:17,728,649, A>C. VCF-style: chrX-17728649-A-C. GRCh37 (hg19) VCF-style: chrX-17746769-A-C.
Other names: c.3692A>C, p.Glu1231Ala (NM_001136024.4); c.3629A>C, p.Glu1210Ala (NM_001291868.2); c.3884A>C, p.Glu1295Ala (NM_001440780.1); c.4160A>C, p.Glu1387Ala (NM_198270.4); short protein forms E1210A, E1408A, E1231A, E1295A, E1387A.
Identifiers: ClinVar variation 4983616 (VCV004983616.1).

ClinVar aggregate classification (germline): Uncertain significance (1 of 4 stars; one submission).

Conditions:
NHS-related disorder. Also called: NHS-related condition.

gnomAD v4.1: 2 of 1,210,871 alleles (0.00017%); highest among the groups gnomAD compares: Non-Finnish European, 0.00022%; no homozygotes.

Submission:

PreventionGenetics, part of Exact Sciences
Classification: Uncertain significance for NHS-related condition. Last evaluated: 2024-10-29. Review status: criteria provided, single submitter. Criteria: ACMG Guidelines, 2015. Collection method: clinical testing. Allele origin: germline.
Comment: The NHS c.4160A>C variant is predicted to result in the amino acid substitution p.Glu1387Ala. To our knowledge, this variant has not been reported in the literature or in a large population database (gnomAD), indicating this variant is rare. At this time, the clinical significance of this variant is uncertain due to the absence of conclusive functional and genetic evidence.